The following is an entry in ClinVar:

NM_000026.4(ADSL):c.590G>A (p.Gly197Glu)

Gene: ADSL (adenylosuccinate lyase; plus strand). Cytogenetic location: 22q13.1.
Variant type: single nucleotide variant.
Coding change: c.590G>A on transcript NM_000026.4 (MANE Select); coding-DNA position 590, G replaced by A.
Protein change: p.Gly197Glu; replaces glycine 197 with glutamic acid.
Molecular consequence: missense variant. On other transcripts: non-coding transcript variant (1).
Genome position (GRCh38, 1-based): chr22:40,358,971, G>A. VCF-style: chr22-40358971-G-A. GRCh37 (hg19) VCF-style: chr22-40754975-G-A.
Other names: c.590G>A, p.Gly197Glu (NM_001123378.3, NM_001363840.3); c.398G>A, p.Gly133Glu (NM_001317923.2); short protein forms G197E, G133E.
Identifiers: ClinVar variation 1376835 (VCV001376835.6), dbSNP rs2146653850, ClinGen allele CA411641094.

ClinVar aggregate classification (germline): Uncertain significance (1 of 4 stars; one submission).

Conditions:
Adenylosuccinate lyase deficiency (ADSLD). Also called: ADSL DEFICIENCY. Identifiers: Orphanet 46, MedGen C0268126, MONDO:0007068, OMIM 103050.

Allele frequency attached by ClinVar (database versions not stated): gnomAD exomes below 0.00001.
gnomAD v4.1: 1 of 1,614,168 alleles (0.000062%); highest among the groups gnomAD compares: African/African-American, 0.0013%; no homozygotes.

Submission:

Labcorp Genetics (formerly Invitae), Labcorp
Classification: Uncertain significance for Adenylosuccinate lyase deficiency. Last evaluated: 2021-08-22. Review status: criteria provided, single submitter. Criteria: Invitae Variant Classification Sherloc (09022015). Collection method: clinical testing. Allele origin: germline.
Comment: In summary, the available evidence is currently insufficient to determine the role of this variant in disease. Therefore, it has been classified as a Variant of Uncertain Significance. Advanced modeling of protein sequence and biophysical properties (such as structural, functional, and spatial information, amino acid conservation, physicochemical variation, residue mobility, and thermodynamic stability) performed at Invitae indicates that this missense variant is expected to disrupt ADSL protein function. This variant has not been reported in the literature in individuals affected with ADSL-related conditions. This variant is not present in population databases (ExAC no frequency). This sequence change replaces glycine with glutamic acid at codon 197 of the ADSL protein (p.Gly197Glu). The glycine residue is highly conserved and there is a moderate physicochemical difference between glycine and glutamic acid.